The following is an entry in ClinVar:

ClinVar aggregate classification (germline): Pathogenic (1 of 4 stars; one submission).

Conditions:
Glycogen storage disease, type V (GSD5). Also called: MCARDLE DISEASE; MUSCLE GLYCOGEN PHOSPHORYLASE DEFICIENCY; MYOPHOSPHORYLASE DEFICIENCY; PYGM DEFICIENCY; McArdle type glycogen storage disease. Identifiers: Orphanet 368, MedGen C0017924, MONDO:0009293, OMIM 232600.

Submission:

Myriad Genetics, Inc.
Classification: Pathogenic for Glycogen storage disease, type V. Last evaluated: 2024-05-14. Review status: criteria provided, single submitter. Criteria: Myriad Autosomal Dominant, Autosomal Recessive and X-Linked Classification Criteria (2023). Collection method: clinical testing. Allele origin: unknown.
Comment: NM_005609.2(PYGM):c.931del1ins12(R311Ifs*44) is expected to be pathogenic in the context of glycogen storage disease, PYGM-related. This variant is predicted to lead to an abnormal or absent protein product due to the creation of a premature termination codon in PYGM, a gene where loss-of-function variants are known to be pathogenic. Please note: this variant was assessed in the context of healthy population screening.

NM_005609.4(PYGM):c.931delinsATAAGAGACAGT (p.Arg311fs)

Gene: PYGM (glycogen phosphorylase, muscle associated; minus strand). Cytogenetic location: 11q13.1.
Variant type: Indel.
Coding change: c.931delinsATAAGAGACAGT on transcript NM_005609.4 (MANE Select); coding-DNA position 931, C replaced by ATAAGAGACAGT.
Protein change: p.Arg311fs; shifts the reading frame from arginine 311.
Molecular consequence: frameshift variant.
Genome position (GRCh38, 1-based): chr11:64,754,761, G replaced by ACTGTCTCTTAT on the plus strand (C replaced by ATAAGAGACAGT on the coding strand, the reverse complement: PYGM is on the minus strand). VCF-style: chr11-64754761-G-ACTGTCTCTTAT. GRCh37 (hg19) VCF-style: chr11-64522233-G-ACTGTCTCTTAT.
Other names: c.667delinsATAAGAGACAGT, p.Arg223fs (NM_001164716.1); short protein forms R223fs, R311fs.
Identifiers: ClinVar variation 5016328 (VCV005016328.1).